The following is an entry in ClinVar:

NM_001130438.3(SPTAN1):c.5153G>A (p.Arg1718His)

Gene: SPTAN1 (spectrin alpha, non-erythrocytic 1; plus strand). Cytogenetic location: 9q34.11.
Variant type: single nucleotide variant.
Coding change: c.5153G>A on transcript NM_001130438.3 (MANE Select); coding-DNA position 5153, G replaced by A.
Protein change: p.Arg1718His; replaces arginine 1718 with histidine.
Molecular consequence: missense variant.
Genome position (GRCh38, 1-based): chr9:128,615,636, G>A. VCF-style: chr9-128615636-G-A. GRCh37 (hg19) VCF-style: chr9-131377915-G-A.
Other names: c.5078G>A, p.Arg1693His (NM_001195532.2, NM_001438441.1, NM_001438444.1); c.5153G>A, p.Arg1718His (NM_001363759.2, NM_001375310.1, NM_001375311.2 and 1 more transcripts); c.5093G>A, p.Arg1698His (NM_001363765.2, NM_001375314.2, NM_001438442.1); c.5189G>A, p.Arg1730His (NM_001375312.2, NM_001375318.1, NM_001438440.1); c.5138G>A, p.Arg1713His (NM_001438443.1, NM_001438445.1, NM_003127.4); short protein forms R1693H, R1713H, R1718H, R1698H, R1730H.
Identifiers: ClinVar variation 5008377 (VCV005008377.1).

ClinVar aggregate classification (germline): Uncertain significance (1 of 4 stars; one submission).

gnomAD v4.1: 3 of 1,613,860 alleles (0.00019%); highest among the groups gnomAD compares: Non-Finnish European, 0.00025%; no homozygotes.

Submission:

GeneDx
Classification: Uncertain significance. Last evaluated: 2026-03-06. Review status: criteria provided, single submitter. Criteria: GeneDx Variant Classification Process June 2021. Collection method: clinical testing. Allele origin: germline.
Comment: Not observed at significant frequency in large population cohorts (gnomAD); In silico analysis supports that this missense variant has a deleterious effect on protein structure/function; Has not been previously published as pathogenic or benign to our knowledge